The following is an entry in ClinVar:

ClinVar aggregate classification (germline): no classifications from unflagged records (0 of 4 stars; one submission).

Conditions:
Dilated cardiomyopathy 1R (CMD1R). Identifiers: Orphanet 154, Orphanet 54260, MedGen C3150681, MONDO:0013261, OMIM 613424.

Submission:

Arcensus
Classification: Pathogenic for Dilated cardiomyopathy 1R. Last evaluated: 2013-02-01. Review status: flagged submission. Criteria: ACMG Guidelines, 2015. Collection method: clinical testing. Allele origin: germline. Affected: yes.
ClinVar note: Notes: Mechanism of pathogenicity does not include loss of function
ClinVar note: Reason: Claim with insufficient supporting evidence

NM_005159.5(ACTC1):c.843del (p.Thr280_Tyr281insTer)

Genes: GJD2-DT (GJD2 divergent transcript; plus strand), ACTC1 (actin alpha cardiac muscle 1; minus strand). Cytogenetic location: 15q14.
Variant type: Deletion.
Coding change: c.843del on transcript NM_005159.5 (MANE Select); coding-DNA position 843, one base deleted (C; older notation c.843delC).
Protein change: p.Thr280_Tyr281insTer.
Molecular consequence: nonsense.
Genome position (GRCh38, 1-based): chr15:34,791,261, G deleted on the plus strand (C on the coding strand, the reverse complement: ACTC1 is on the minus strand). VCF-style (leftmost placement, unchanged base first): chr15-34791260-TG-T. GRCh37 (hg19) VCF-style: chr15-35083461-TG-T.
Identifiers: ClinVar variation 1701916 (VCV001701916.1), dbSNP rs2504177687, ClinGen allele CA2580089261.